The following is an entry in ClinVar:

ClinVar aggregate classification (germline): Uncertain significance (1 of 4 stars; one submission).

Conditions:
Hereditary insensitivity to pain with anhidrosis (CIPA). Also called: HSAN Type IV; INSENSITIVITY TO PAIN, CONGENITAL, WITH ANHIDROSIS; hereditary sensory and autonomic neuropathy type 4; NTRK1 Congenital Insensitivity to Pain with Anhidrosis; FAMILIAL DYSAUTONOMIA, TYPE II; NEUROPATHY, CONGENITAL SENSORY, WITH ANHIDROSIS. Identifiers: Orphanet 642, MedGen C0020074, MONDO:0009746, OMIM 256800.

Allele frequency attached by ClinVar (database versions not stated): gnomAD 0.00001; ExAC 0.00003.
gnomAD v4.1: 13 of 1,604,234 alleles (0.00081%); highest among the groups gnomAD compares: East Asian, 0.0022%; no homozygotes.

Submission:

Labcorp Genetics (formerly Invitae), Labcorp
Classification: Uncertain significance for Hereditary insensitivity to pain with anhidrosis. Last evaluated: 2022-07-14. Review status: criteria provided, single submitter. Criteria: Invitae Variant Classification Sherloc (09022015). Collection method: clinical testing. Allele origin: germline.
Comment: This sequence change replaces aspartic acid, which is acidic and polar, with asparagine, which is neutral and polar, at codon 673 of the NTRK1 protein (p.Asp673Asn). This variant is present in population databases (rs775191394, gnomAD 0.005%). This variant has not been reported in the literature in individuals affected with NTRK1-related conditions. Advanced modeling of protein sequence and biophysical properties (such as structural, functional, and spatial information, amino acid conservation, physicochemical variation, residue mobility, and thermodynamic stability) performed at Invitae indicates that this missense variant is expected to disrupt NTRK1 protein function. In summary, the available evidence is currently insufficient to determine the role of this variant in disease. Therefore, it has been classified as a Variant of Uncertain Significance.

NM_002529.4(NTRK1):c.2035G>A (p.Asp679Asn)

Gene: NTRK1 (neurotrophic receptor tyrosine kinase 1; plus strand). Cytogenetic location: 1q23.1.
Variant type: single nucleotide variant.
Coding change: c.2035G>A on transcript NM_002529.4 (MANE Select); coding-DNA position 2035, G replaced by A.
Protein change: p.Asp679Asn; replaces aspartic acid 679 with asparagine.
Molecular consequence: missense variant.
Genome position (GRCh38, 1-based): chr1:156,879,351, G>A. VCF-style: chr1-156879351-G-A. GRCh37 (hg19) VCF-style: chr1-156849143-G-A.
Other names: c.2035G>A, p.Asp679Asn (NM_001007204.1); c.1927G>A, p.Asp643Asn (NM_001007792.1); c.2017G>A, p.Asp673Asn (NM_001012331.2); short protein forms D679N, D643N, D673N.
Identifiers: ClinVar variation 1952161 (VCV001952161.2), dbSNP rs775191394, ClinGen allele CA1169532.
Genomic context (GRCh38, chr1:156,879,351, plus strand): 5'-GGCCAGGGACTGGTGGTCAAGATTGGTGATTTTGGCATGAGCAGGGATATCTACAGCACC[G>A]ACTATTACCGTGTAAGGGTCCTTTGTCCCCAACGCCTTCCCCTGCATCCAAACTGTAGAC-3'
Protein context (NP_002520.2, residues 669-689): FGMSRDIYST[Asp679Asn]YYRVGGRTML